The following is an entry in ClinVar:

NM_001041.4(SI):c.2405C>A (p.Pro802Gln)

Gene: SI (sucrase-isomaltase; minus strand). Cytogenetic location: 3q26.1.
Variant type: single nucleotide variant.
Coding change: c.2405C>A on transcript NM_001041.4 (MANE Select); coding-DNA position 2405, C replaced by A.
Protein change: p.Pro802Gln; replaces proline 802 with glutamine.
Molecular consequence: missense variant.
Genome position (GRCh38, 1-based): chr3:165,037,921, G>T on the plus strand (C>A on the coding strand, the complement: SI is on the minus strand). VCF-style: chr3-165037921-G-T. GRCh37 (hg19) VCF-style: chr3-164755709-G-T.
Other names: short protein forms P802Q.
Identifiers: ClinVar variation 3720590 (VCV003720590.2).

ClinVar aggregate classification (germline): Uncertain significance (1 of 4 stars; one submission).

gnomAD v4.1: 2 of 1,608,380 alleles (0.00012%); highest among the groups gnomAD compares: Non-Finnish European, 0.00017%; no homozygotes.

Submission:

Labcorp Genetics (formerly Invitae), Labcorp
Classification: Uncertain significance. Last evaluated: 2024-10-09. Review status: criteria provided, single submitter. Criteria: Invitae Variant Classification Sherloc (09022015). Collection method: clinical testing. Allele origin: germline.
Comment: This sequence change replaces proline, which is neutral and non-polar, with glutamine, which is neutral and polar, at codon 802 of the SI protein (p.Pro802Gln). This variant is not present in population databases (gnomAD no frequency). This variant has not been reported in the literature in individuals affected with SI-related conditions. Invitae Evidence Modeling of protein sequence and biophysical properties (such as structural, functional, and spatial information, amino acid conservation, physicochemical variation, residue mobility, and thermodynamic stability) has been performed for this missense variant. However, the output from this modeling did not meet the statistical confidence thresholds required to predict the impact of this variant on SI protein function. In summary, the available evidence is currently insufficient to determine the role of this variant in disease. Therefore, it has been classified as a Variant of Uncertain Significance.